The following is an entry in ClinVar:

NM_000484.4(APP):c.1345G>A (p.Glu449Lys)

Gene: APP (amyloid beta precursor protein; minus strand). Cytogenetic location: 21q21.3.
Variant type: single nucleotide variant.
Coding change: c.1345G>A on transcript NM_000484.4 (MANE Select); coding-DNA position 1345, G replaced by A.
Protein change: p.Glu449Lys; replaces glutamic acid 449 with lysine.
Molecular consequence: missense variant.
Genome position (GRCh38, 1-based): chr21:25,975,183, C>T on the plus strand (G>A on the coding strand, the complement: APP is on the minus strand). VCF-style: chr21-25975183-C-T. GRCh37 (hg19) VCF-style: chr21-27347496-C-T.
Other names: c.1273G>A, p.Glu425Lys (NM_001136016.3); c.952G>A, p.Glu318Lys (NM_001136129.3); c.1177G>A, p.Glu393Lys (NM_001136130.3, NM_001385253.1); c.1015G>A, p.Glu339Lys (NM_001136131.3); c.1345G>A, p.Glu449Lys (NM_001204301.2); c.1288G>A, p.Glu430Lys (NM_001204302.2, NM_201413.3); c.1120G>A, p.Glu374Lys (NM_001204303.2, NM_201414.3); short protein forms E339K, E430K, E425K, E374K, E393K, E318K, E449K.
Identifiers: ClinVar variation 2771961 (VCV002771961.3), dbSNP rs539339652, ClinGen allele CA9987344.
Genomic context (GRCh38, chr21:25,975,183, plus strand): 5'-GGCGGTCATTGAGCATGGCTTCCACTCTGGCCATGTGTGTCTCCACCAGCTGCTGTCTCT[C>T]GTTGGCTGCTTCCTGTTCCAAAGATTCCACTTTCTCCTGGAAATGCTGCCATCATAAACA-3'
Protein context (NP_000475.1, residues 439-459): VESLEQEAAN[Glu449Lys]RQQLVETHMA

ClinVar aggregate classification (germline): Uncertain significance (1 of 4 stars; one submission).

Conditions:
Alzheimer disease. Also called: Presenile and senile dementia; Alzheimer's disease. Identifiers: Orphanet 1020, MedGen C0002395, MeSH D000544, MONDO:0004975, HP:0002511.

Allele frequency attached by ClinVar (database versions not stated): gnomAD 0.00001; gnomAD exomes 0.00001; TOPMed 0.00001; ExAC 0.00002; 1000 Genomes Project 0.00020; 1000 Genomes Project 30x 0.00031.
gnomAD v4.1: 13 of 1,614,208 alleles (0.00081%); highest among the groups gnomAD compares: African/African-American, 0.0027%; no homozygotes.

Submission:

Labcorp Genetics (formerly Invitae), Labcorp
Classification: Uncertain significance for Alzheimer disease. Last evaluated: 2023-02-14. Review status: criteria provided, single submitter. Criteria: Invitae Variant Classification Sherloc (09022015). Collection method: clinical testing. Allele origin: germline.
Comment: In summary, the available evidence is currently insufficient to determine the role of this variant in disease. Therefore, it has been classified as a Variant of Uncertain Significance. Advanced modeling of protein sequence and biophysical properties (such as structural, functional, and spatial information, amino acid conservation, physicochemical variation, residue mobility, and thermodynamic stability) performed at Invitae indicates that this missense variant is not expected to disrupt APP protein function. This variant has not been reported in the literature in individuals affected with APP-related conditions. This variant is present in population databases (rs539339652, gnomAD 0.007%). This sequence change replaces glutamic acid, which is acidic and polar, with lysine, which is basic and polar, at codon 449 of the APP protein (p.Glu449Lys).